The following is an entry in ClinVar:

NM_006306.4(SMC1A):c.1911G>A (p.Lys637=)

Gene: SMC1A (structural maintenance of chromosomes 1A; minus strand). Cytogenetic location: Xp11.22.
Variant type: single nucleotide variant.
Coding change: c.1911G>A on transcript NM_006306.4 (MANE Select); coding-DNA position 1911, G replaced by A.
Protein change: p.Lys637=; no amino-acid change (lysine 637 retained).
Molecular consequence: synonymous variant.
Genome position (GRCh38, 1-based): chrX:53,405,493, C>T on the plus strand (G>A on the coding strand, the complement: SMC1A is on the minus strand). VCF-style: chrX-53405493-C-T. GRCh37 (hg19) VCF-style: chrX-53432425-C-T.
Other names: c.1845G>A, p.Lys615= (NM_001281463.1).
Identifiers: ClinVar variation 939390 (VCV000939390.3), dbSNP rs2075687850, ClinGen allele CA516688052.
Genomic context (GRCh38, chrX:53,405,493, plus strand): 5'-AACAAATGAATCTCCAGTACTGAGCCTGTCCAGCTCCAGCCTGGGCAAGGGAATCCACAC[C>T]TTGTGGCGCTGGTGGCCTCCAAAGGCAATGCGGCGGGCATCTTCCACGTTGTCACAGACA-3'
Protein context (NP_006297.2, residues 627-647): RIAFGGHQRH[Lys637=]TVALDGTLFQ

ClinVar aggregate classification (germline): Uncertain significance (1 of 4 stars; one submission).

Conditions:
Congenital muscular hypertrophy-cerebral syndrome (CDLS2). Also called: SMC1A-Related Cornelia de Lange Syndrome; Cornelia de Lange syndrome 2. Identifiers: Orphanet 199, MedGen C1802395, MONDO:0010370, OMIM 300590.

Submission:

Labcorp Genetics (formerly Invitae), Labcorp
Classification: Uncertain significance for Congenital muscular hypertrophy-cerebral syndrome. Last evaluated: 2019-06-04. Review status: criteria provided, single submitter. Criteria: Invitae Variant Classification Sherloc (09022015). Collection method: clinical testing. Allele origin: germline.
Comment: This sequence change affects codon 637 of the SMC1A mRNA. It is a 'silent' change, meaning that it does not change the encoded amino acid sequence of the SMC1A protein. This variant also falls at the last nucleotide of exon 11 of the SMC1A coding sequence, which is part of the consensus splice site for this exon. This variant is not present in population databases (ExAC no frequency). This variant has not been reported in the literature in individuals with SMC1A-related conditions. Nucleotide substitutions within the consensus splice site are a relatively common cause of aberrant splicing (PMID: 17576681, 9536098). Algorithms developed to predict the effect of sequence changes on RNA splicing suggest that this variant may disrupt the consensus splice site, but this prediction has not been confirmed by published transcriptional studies. In summary, the available evidence is currently insufficient to determine the role of this variant in disease. Therefore, it has been classified as a Variant of Uncertain Significance.

Literature cited by the submitters: PubMed 17576681; PubMed 9536098.